The following is an entry in ClinVar:

ClinVar aggregate classification (germline): Uncertain significance. Review status: criteria provided, multiple submitters, no conflicts (2 of 4 stars). 5 submissions from 5 submitters: Uncertain significance (5). Last evaluated 2024-11-04.

Conditions:
Combined oxidative phosphorylation defect type 15. Also called: Combined oxidative phosphorylation deficiency 15. Identifiers: Orphanet 319524, MedGen C4706313, MONDO:0013987, OMIM 614947.
Mitochondrial complex I deficiency, nuclear type 27. Also called: Mitochondrial complex 1 deficiency, nuclear type 27. Identifiers: MedGen C4748826, MONDO:0032631, OMIM 618248.

Submissions (5):

Blueprint Genetics
Classification: Uncertain significance. Last evaluated: 2024-11-04. Review status: criteria provided, single submitter. Criteria: ACMG Guidelines, 2015. Collection method: clinical testing. Allele origin: germline.

Labcorp Genetics (formerly Invitae), Labcorp
Classification: Uncertain significance. Last evaluated: 2023-07-17. Review status: criteria provided, single submitter. Criteria: Invitae Variant Classification Sherloc (09022015). Collection method: clinical testing. Allele origin: germline.
Comment: This variant, c.1129_1131del, results in the deletion of 1 amino acid(s) of the MTFMT protein (p.Lys377del), but otherwise preserves the integrity of the reading frame. This variant is present in population databases (rs769122836, gnomAD 0.02%). This variant has not been reported in the literature in individuals affected with MTFMT-related conditions. ClinVar contains an entry for this variant (Variation ID: 1031156). Experimental studies and prediction algorithms are not available or were not evaluated, and the functional significance of this variant is currently unknown. In summary, the available evidence is currently insufficient to determine the role of this variant in disease. Therefore, it has been classified as a Variant of Uncertain Significance.

Fulgent Genetics
Classification: Uncertain significance for Combined oxidative phosphorylation defect type 15; Mitochondrial complex I deficiency, nuclear type 27. Last evaluated: 2021-09-01. Review status: criteria provided, single submitter. Criteria: ACMG Guidelines, 2015. Collection method: clinical testing. Allele origin: unknown.

GeneDx
Classification: Uncertain significance. Last evaluated: 2021-08-11. Review status: criteria provided, single submitter. Criteria: GeneDx Variant Classification Process June 2021. Collection method: clinical testing. Allele origin: germline. Affected: yes.
Comment: In-frame deletion of 1 amino acids in a non-repeat region; In silico analysis supports that this variant does not alter protein structure/function; Has not been previously published as pathogenic or benign to our knowledge

Baylor Genetics
Classification: Uncertain significance for Combined oxidative phosphorylation defect type 15. Last evaluated: 2019-04-05. Review status: criteria provided, single submitter. Criteria: ACMG Guidelines, 2015. Collection method: clinical testing. Allele origin: maternal. Affected: yes.
Comment: This variant was determined to be of uncertain significance according to ACMG Guidelines, 2015 [PMID:25741868].

NM_139242.4(MTFMT):c.1123AAG[2] (p.Lys377del)

Gene: MTFMT (mitochondrial methionyl-tRNA formyltransferase; minus strand). Cytogenetic location: 15q22.31.
Variant type: Microsatellite.
Coding change: c.1123AAG[2] on transcript NM_139242.4 (MANE Select); two copies in a row of the 3-base unit AAG starting at c.1123; the reference has three copies in a row; one copy, 3 bases deleted; also written c.1129_1131del.
Protein change: p.Lys377del; deletes lysine 377.
Molecular consequence: inframe deletion.
Genome position (GRCh38, 1-based): chr15:65,003,101-65,003,103, CTT deleted on the plus strand (AAG on the coding strand, the reverse complement: MTFMT is on the minus strand); deleting any 3 consecutive bases within chr15:65,003,101-65,003,109 gives the same sequence; the position shown is the placement nearest the transcript's 3' end. VCF-style (leftmost placement, unchanged base first): chr15-65003100-GCTT-G. GRCh37 (hg19) VCF-style: chr15-65295438-GCTT-G.
Other names: c.1129_1131delAAG (NM_139242.3); c.1129_1131del (NM_139242.4); short protein forms K377del.
Identifiers: ClinVar variation 1031156 (VCV001031156.7), dbSNP rs769122836, ClinGen allele CA7613141.